The following is an entry in ClinVar:

ClinVar aggregate classification (germline): Benign. Review status: criteria provided, multiple submitters, no conflicts (2 of 4 stars). 5 submissions from 5 submitters: Benign (5). Last evaluated 2026-01-26.

Conditions:
Usher syndrome type 2C. Also called: USHER SYNDROME, TYPE IIC; Usher syndrome, type 2B. Identifiers: Orphanet 231178, Orphanet 886, MedGen C2931213, MONDO:0011558, OMIM 605472.
Nuclear pulverulent cataract (CTRCT2). Identifiers: MedGen C1852438, HP:0010698.

Allele frequency attached by ClinVar (database versions not stated): TOPMed 0.00961; gnomAD 0.01047 and 0.01169; ESP Exome Variant Server 0.01076; 1000 Genomes Project 0.01218; 1000 Genomes Project 30x 0.01343; gnomAD exomes 0.01678 and 0.01755; ExAC 0.01742.
gnomAD v4.1: 27,332 of 1,614,176 alleles (1.7%); highest among the groups gnomAD compares: South Asian, 5.1%; 365 homozygotes.

Submissions (5):

Labcorp Genetics (formerly Invitae), Labcorp
Classification: Benign for Nuclear pulverulent cataract. Last evaluated: 2026-01-26. Review status: criteria provided, single submitter. Criteria: Invitae Variant Classification Sherloc (09022015). Collection method: clinical testing. Allele origin: germline.

GeneDx
Classification: Benign. Last evaluated: 2018-09-22. Review status: criteria provided, single submitter. Criteria: GeneDx Variant Classification Process June 2021. Collection method: clinical testing. Allele origin: germline. Affected: yes.
Comment: This variant is associated with the following publications: (PMID: 23954869, 21423869, 27884173, 27535533, 29386872)

Laboratory for Molecular Medicine, Mass General Brigham Personalized Medicine
Classification: Benign. Last evaluated: 2016-03-29. Review status: criteria provided, single submitter. Criteria: LMM Criteria. Collection method: clinical testing. Allele origin: germline.
Comment: Variant identified in a genome or exome case(s) and assessed due to predicted null impact of the variant or pathogenic assertions in the literature or databases. Disclaimer: This variant has not undergone full assessment. The following are preliminary notes: This variant has been reported in 4/4 individuals (1 family ) affected with AD pulvurent congenital cataract and was absent from 10 healthy relatives and 230 ethnically matched healthy controls (Gonzalez-Huerta_2013). It has also been reported in 4/30 cases og congenital cataract (Kumar_2011). The exact prevalence of congenital cataract is unknown but estimated around 1-6/10,000 children. The frequency of the variant in South Asians in 5.3%.

Breakthrough Genomics
Classification: Benign. Review status: criteria provided, single submitter. Criteria: ACMG Guidelines, 2015. Collection method: not provided. Allele origin: germline. Inheritance: Autosomal dominant inheritance. Affected: yes.

Broad Center for Mendelian Genomics, Broad Institute of MIT and Harvard
Classification: Benign for Usher syndrome type 2C. Review status: criteria provided, single submitter. Criteria: ACMG Guidelines, 2015. Collection method: research. Allele origin: germline. Inheritance: Autosomal dominant inheritance. Affected: yes.
Comment: The heterozygous p.Arg48His variant in CRYGC has been identified in 4 individuals with cataracts in the literature (PMID: 21423869). However, this variant is classified as benign for autosomal dominant cataracts because it has been identified in >5% of South Asian chromosomes by ExAC.

NM_020989.4(CRYGC):c.143G>A (p.Arg48His)

Genes: CRYGC (crystallin gamma C; minus strand), LOC100507443 (uncharacterized LOC100507443; plus strand). Cytogenetic location: 2q33.3.
Variant type: single nucleotide variant.
Coding change: c.143G>A on transcript NM_020989.4 (MANE Select); coding-DNA position 143, G replaced by A.
Protein change: p.Arg48His; replaces arginine 48 with histidine.
Molecular consequence: missense variant.
Genome position (GRCh38, 1-based): chr2:208,129,550, C>T on the plus strand (G>A on the coding strand, the complement: CRYGC is on the minus strand). VCF-style: chr2-208129550-C-T. GRCh37 (hg19) VCF-style: chr2-208994274-C-T.
Other names: short protein forms R48H.
Identifiers: ClinVar variation 402565 (VCV000402565.16), dbSNP rs61751949, ClinGen allele CA2077938.